The following is an entry in ClinVar:

NM_000548.5(TSC2):c.4648G>T (p.Val1550Phe)

Gene: TSC2 (TSC complex subunit 2; plus strand). Cytogenetic location: 16p13.3.
Variant type: single nucleotide variant.
Coding change: c.4648G>T on transcript NM_000548.5 (MANE Select); coding-DNA position 4648, G replaced by T.
Protein change: p.Val1550Phe; replaces valine 1550 with phenylalanine.
Molecular consequence: missense variant.
Genome position (GRCh38, 1-based): chr16:2,085,308, G>T. VCF-style: chr16-2085308-G-T. GRCh37 (hg19) VCF-style: chr16-2135309-G-T.
Other names: c.4447G>T, p.Val1483Phe (NM_001077183.3); c.4579G>T, p.Val1527Phe (NM_001114382.3); c.4339G>T, p.Val1447Phe (NM_001318827.2); c.4303G>T, p.Val1435Phe (NM_001318829.2); c.3916G>T, p.Val1306Phe (NM_001318831.2); c.4480G>T, p.Val1494Phe (NM_001318832.2); c.4450G>T, p.Val1484Phe (NM_001363528.2); c.4516G>T, p.Val1506Phe (NM_001370404.1); and 1 more; short protein forms V1306F, V1435F, V1447F, V1483F, V1484F, V1494F, V1506F, V1507F.
Identifiers: ClinVar variation 1000977 (VCV001000977.8), dbSNP rs2090633103, ClinGen allele CA394305002.

ClinVar aggregate classification (germline): Uncertain significance (1 of 4 stars; one submission).

Conditions:
Tuberous sclerosis 2 (TSC2). Identifiers: Orphanet 805, MedGen C1860707, MONDO:0013199, OMIM 613254.

Submission:

Labcorp Genetics (formerly Invitae), Labcorp
Classification: Uncertain significance for Tuberous sclerosis 2. Last evaluated: 2022-08-15. Review status: criteria provided, single submitter. Criteria: Invitae Variant Classification Sherloc (09022015). Collection method: clinical testing. Allele origin: germline.
Comment: This variant is not present in population databases (gnomAD no frequency). In summary, the available evidence is currently insufficient to determine the role of this variant in disease. Therefore, it has been classified as a Variant of Uncertain Significance. Advanced modeling of protein sequence and biophysical properties (such as structural, functional, and spatial information, amino acid conservation, physicochemical variation, residue mobility, and thermodynamic stability) performed at Invitae indicates that this missense variant is expected to disrupt TSC2 protein function. ClinVar contains an entry for this variant (Variation ID: 1000977). This variant has not been reported in the literature in individuals affected with TSC2-related conditions. This sequence change replaces valine, which is neutral and non-polar, with phenylalanine, which is neutral and non-polar, at codon 1550 of the TSC2 protein (p.Val1550Phe).